The following is an entry in ClinVar:

ClinVar aggregate classification (germline): Conflicting classifications of pathogenicity. Review status: criteria provided, conflicting classifications (1 of 4 stars). 6 submissions from 6 submitters: Uncertain significance (3); Likely benign (3). Last evaluated 2025-04-13.

Conditions:
Cardiovascular phenotype. Identifiers: MedGen CN230736.
Cardiomyopathy (CMYO). Also called: Cardiomyopathies. Identifiers: Orphanet 167848, MedGen C0878544, MONDO:0004994, HP:0001638. Inheritance: Various modes of inheritance.
Myofibrillar myopathy 4. Also called: Zaspopathy (type). Identifiers: Orphanet 98912, MedGen C4721886, MONDO:0012277, OMIM 609452.

Allele frequency attached by ClinVar (database versions not stated): TOPMed 0.00002; ExAC 0.00003; gnomAD 0.00003 and 0.00004; gnomAD exomes 0.00004 and 0.00005; ESP Exome Variant Server 0.00008; 1000 Genomes Project 30x 0.00016; 1000 Genomes Project 0.00020.

Submissions (6):

Ambry Genetics
Classification: Uncertain significance for Cardiovascular phenotype. Last evaluated: 2025-04-13. Review status: criteria provided, single submitter. Criteria: Ambry Variant Classification Scheme 2023. Collection method: clinical testing. Allele origin: germline.

Blueprint Genetics
Classification: Likely benign. Last evaluated: 2024-09-16. Review status: criteria provided, single submitter. Criteria: ACMG Guidelines, 2015. Collection method: clinical testing. Allele origin: germline.

Labcorp Genetics (formerly Invitae), Labcorp
Classification: Uncertain significance for Myofibrillar myopathy 4. Last evaluated: 2024-08-08. Review status: criteria provided, single submitter. Criteria: Invitae Variant Classification Sherloc (09022015). Collection method: clinical testing. Allele origin: germline.
Comment: The LDB3 gene has multiple clinically relevant transcripts. This variant occurs in alternate transcript NM_007078.3, and corresponds to NM_001080116.1:c.321+1355C>T in the primary transcript. This sequence change replaces proline, which is neutral and non-polar, with leucine, which is neutral and non-polar, at codon 133 of the LDB3 protein (p.Pro133Leu). This variant is present in population databases (rs200239096, gnomAD 0.006%). This variant has not been reported in the literature in individuals affected with LDB3-related conditions. ClinVar contains an entry for this variant (Variation ID: 201837). Experimental studies and prediction algorithms are not available or were not evaluated, and the functional significance of this variant is currently unknown. Algorithms developed to predict the effect of sequence changes on RNA splicing suggest that this variant is not likely to affect RNA splicing. In summary, the available evidence is currently insufficient to determine the role of this variant in disease. Therefore, it has been classified as a Variant of Uncertain Significance.

GeneDx
Classification: Likely benign. Last evaluated: 2020-12-07. Review status: criteria provided, single submitter. Criteria: GeneDx Variant Classification Process June 2021. Collection method: clinical testing. Allele origin: germline. Affected: yes.

Molecular Diagnostic Laboratory for Inherited Cardiovascular Disease, Montreal Heart Institute
Classification: Likely benign. Last evaluated: 2019-08-21. Review status: criteria provided, single submitter. Criteria: ACMG Guidelines, 2015. Collection method: clinical testing. Allele origin: germline. Affected: yes.

CHEO Genetics Diagnostic Laboratory, Children's Hospital of Eastern Ontario
Classification: Uncertain significance for Cardiomyopathy. Last evaluated: 2018-07-20. Review status: criteria provided, single submitter. Criteria: ACMG Guidelines, 2015. Collection method: clinical testing. Allele origin: germline.

NM_007078.3(LDB3):c.398C>T (p.Pro133Leu)

Gene: LDB3 (LIM domain binding 3; plus strand). Cytogenetic location: 10q23.2.
Variant type: single nucleotide variant.
Coding change: c.398C>T on transcript NM_007078.3 (MANE Select); coding-DNA position 398, C replaced by T.
Protein change: p.Pro133Leu; replaces proline 133 with leucine.
Molecular consequence: missense variant. On other transcripts: intron variant (5).
Genome position (GRCh38, 1-based): chr10:86,681,512, C>T. VCF-style: chr10-86681512-C-T. GRCh37 (hg19) VCF-style: chr10-88441269-C-T.
Other names: p.P133L:CCA>CTA; c.398C>T, p.Pro133Leu (NM_001080115.2, NM_001171610.2, NM_001171611.2 and 3 more transcripts); c.321+1355C>T (NM_001368068.1, NM_001368066.1, NM_001080114.2 and 2 more transcripts); short protein forms P133L.
Identifiers: ClinVar variation 201837 (VCV000201837.23), dbSNP rs200239096, ClinGen allele CA308597.